The following is an entry in ClinVar:

NM_000059.4(BRCA2):c.3451A>C (p.Ile1151Leu)

Gene: BRCA2 (BRCA2 DNA repair associated; plus strand). Cytogenetic location: 13q13.1.
Variant type: single nucleotide variant.
Coding change: c.3451A>C on transcript NM_000059.4 (MANE Select); coding-DNA position 3451, A replaced by C.
Protein change: p.Ile1151Leu; replaces isoleucine 1151 with leucine.
Molecular consequence: missense variant.
Genome position (GRCh38, 1-based): chr13:32,337,806, A>C. VCF-style: chr13-32337806-A-C. GRCh37 (hg19) VCF-style: chr13-32911943-A-C.
Other names: c.3451A>C (NM_000059.3); short protein forms I1151L.
Identifiers: ClinVar variation 193791 (VCV000193791.15), dbSNP rs80358591, ClinGen allele CA018059.

ClinVar aggregate classification (germline): Conflicting classifications of pathogenicity. Review status: criteria provided, conflicting classifications (1 of 4 stars). 4 submissions from 4 submitters: Uncertain significance (3); Likely benign (1). Last evaluated 2025-02-17.

Conditions:
Hereditary cancer-predisposing syndrome. Also called: Hereditary neoplastic syndrome; Neoplastic Syndromes, Hereditary; Hereditary Cancer Syndrome; Tumor predisposition. Identifiers: Orphanet 140162, MedGen C0027672, MeSH D009386, MONDO:0015356.
Hereditary breast ovarian cancer syndrome. Also called: Hereditary breast and ovarian cancer; Hereditary breast and ovarian cancer syndrome; Hereditary breast and ovarian cancer syndrome (HBOC); Breast and ovarian cancer; Hereditary breast and/or ovarian cancer syndrome; BRCA1- and BRCA2-Associated Hereditary Breast and Ovarian Cancer. Identifiers: Orphanet 145, MedGen C0677776, MeSH D061325, MONDO:0003582. Disease mechanism: loss of function.

gnomAD v4.1: 1 of 1,614,114 alleles (0.000062%); highest among the groups gnomAD compares: Non-Finnish European, 0.000085%; no homozygotes.

Submissions (4):

Quest Diagnostics Nichols Institute San Juan Capistrano
Classification: Uncertain significance. Last evaluated: 2025-02-17. Review status: criteria provided, single submitter. Criteria: Quest Diagnostics criteria. Collection method: clinical testing. Allele origin: unknown.
Comment: The BRCA2 c.3451A>C (p.Ile1151Leu) variant has been reported in the published literature to be located in a region of the BRCA2 gene that is tolerant to missense sequence changes (PMID: 31911673 (2020)). To the best of our knowledge, this variant has not been reported in individuals with BRCA2-related disorders. The frequency of this variant in the general population (Genome Aggregation Database) is uninformative in the assessment of its pathogenicity. Analysis of this variant using bioinformatics tools for the prediction of the effect of amino acid changes on protein structure and function yielded predictions that this variant is benign. Based on the available information, we are unable to determine the clinical significance of this variant.

University of Washington Department of Laboratory Medicine, University of Washington
Classification: Likely benign for Hereditary cancer-predisposing syndrome. Last evaluated: 2023-03-23. Review status: criteria provided, single submitter. Criteria: Dines et al. (Genet Med. 2020). Collection method: curation. Allele origin: germline.
Comment: Missense variant in a coldspot region where missense variants are very unlikely to be pathogenic (PMID:31911673).

BRCA2 exon 11 coldspot. Reclassification based on statistical prior probability.

Labcorp Genetics (formerly Invitae), Labcorp
Classification: Uncertain significance for Hereditary breast ovarian cancer syndrome. Last evaluated: 2020-12-07. Review status: criteria provided, single submitter. Criteria: Invitae Variant Classification Sherloc (09022015). Collection method: clinical testing. Allele origin: germline.
Comment: Algorithms developed to predict the effect of missense changes on protein structure and function output the following: SIFT: "Tolerated"; PolyPhen-2: "Benign"; Align-GVGD: "Class C0". The leucine amino acid residue is found in multiple mammalian species, suggesting that this missense change does not adversely affect protein function. These predictions have not been confirmed by published functional studies and their clinical significance is uncertain. This variant has not been reported in the literature in individuals with BRCA2-related conditions. ClinVar contains an entry for this variant (Variation ID: 193791). This variant is present in population databases (rs80358591, ExAC 0.002%). This sequence change replaces isoleucine with leucine at codon 1151 of the BRCA2 protein (p.Ile1151Leu). The isoleucine residue is weakly conserved and there is a small physicochemical difference between isoleucine and leucine. In summary, the available evidence is currently insufficient to determine the role of this variant in disease. Therefore, it has been classified as a Variant of Uncertain Significance.

Eurofins Ntd Llc (ga)
Classification: Uncertain significance. Last evaluated: 2014-12-09. Review status: criteria provided, single submitter. Criteria: EGL Classification Definitions 2015. Collection method: clinical testing. Allele origin: germline. Observed: 1 variant allele, 1 heterozygote.

Literature cited by the submitters: PubMed 31911673 (cited by Quest Diagnostics Nichols Institute San Juan Capistrano).